The following is an entry in ClinVar:

ClinVar aggregate classification (germline): Conflicting classifications of pathogenicity. Review status: criteria provided, conflicting classifications (1 of 4 stars). 4 submissions from 4 submitters: Uncertain significance (3); Likely benign (1). Last evaluated 2025-12-15.

Conditions:
Inborn genetic diseases. Identifiers: MedGen C0950123, MeSH D030342.

Allele frequency attached by ClinVar (database versions not stated): ESP Exome Variant Server 0.00015.
gnomAD v4.1: 63 of 1,613,374 alleles (0.0039%); highest among the groups gnomAD compares: African/African-American, 0.008%; no homozygotes.

Submissions (4):

Labcorp Genetics (formerly Invitae), Labcorp
Classification: Likely benign. Last evaluated: 2025-12-15. Review status: criteria provided, single submitter. Criteria: Invitae Variant Classification Sherloc (09022015). Collection method: clinical testing. Allele origin: germline.

Ambry Genetics
Classification: Uncertain significance for Inborn genetic diseases. Last evaluated: 2025-08-25. Review status: criteria provided, single submitter. Criteria: Ambry Variant Classification Scheme 2023. Collection method: clinical testing. Allele origin: germline.

Women's Health and Genetics/Laboratory Corporation of America, LabCorp
Classification: Uncertain significance. Last evaluated: 2024-10-31. Review status: criteria provided, single submitter. Criteria: LabCorp Variant Classification Summary - May 2015. Collection method: clinical testing. Allele origin: germline.
Comment: Variant summary: LONP1 c.2248G>A (p.Val750Met) results in a conservative amino acid change located in the Peptidase S16, Lon proteolytic domain (IPR008269) of the encoded protein sequence. Four of five in-silico tools predict a benign effect of the variant on protein function. The variant allele was found at a frequency of 3.2e-05 in 250712 control chromosomes. The available data on variant occurrences in the general population are insufficient to allow any conclusion about variant significance. To our knowledge, no occurrence of c.2248G>A in individuals affected with CODAS Syndrome and no experimental evidence demonstrating its impact on protein function have been reported. ClinVar contains an entry for this variant (Variation ID: 1448789). Based on the evidence outlined above, the variant was classified as uncertain significance.

GeneDx
Classification: Uncertain significance. Last evaluated: 2023-02-01. Review status: criteria provided, single submitter. Criteria: GeneDx Variant Classification Process June 2021. Collection method: clinical testing. Allele origin: germline. Affected: yes.
Comment: In silico analysis supports that this missense variant does not alter protein structure/function; Has not been previously published as pathogenic or benign to our knowledge

NM_004793.4(LONP1):c.2248G>A (p.Val750Met)

Gene: LONP1 (lon peptidase 1, mitochondrial; minus strand). Cytogenetic location: 19p13.3.
Variant type: single nucleotide variant.
Coding change: c.2248G>A on transcript NM_004793.4 (MANE Select); coding-DNA position 2248, G replaced by A.
Protein change: p.Val750Met; replaces valine 750 with methionine.
Molecular consequence: missense variant. On other transcripts: non-coding transcript variant (1).
Genome position (GRCh38, 1-based): chr19:5,694,459, C>T on the plus strand (G>A on the coding strand, the complement: LONP1 is on the minus strand). VCF-style: chr19-5694459-C-T. GRCh37 (hg19) VCF-style: chr19-5694470-C-T.
Other names: c.2056G>A, p.Val686Met (NM_001276479.2); c.1660G>A, p.Val554Met (NM_001276480.1); c.2248G>A (NM_004793.2, NM_004793.3); short protein forms V686M, V554M, V750M.
Identifiers: ClinVar variation 1448789 (VCV001448789.12), dbSNP rs374091667, ClinGen allele CA9114204.